The following is an entry in ClinVar:

ClinVar aggregate classification (germline): Conflicting classifications of pathogenicity. Review status: criteria provided, conflicting classifications (1 of 4 stars). 4 submissions from 4 submitters: Likely pathogenic (1); Uncertain significance (3). Last evaluated 2026-04-15.

Conditions:
RNASEH2B-related disorder. Also called: RNASEH2B-related condition.
Aicardi-Goutieres syndrome 2. Identifiers: Orphanet 51, MedGen C3489724, MONDO:0012429, OMIM 610181.

Allele frequency attached by ClinVar (database versions not stated): gnomAD 0.00001; TOPMed 0.00001; gnomAD exomes 0.00002 and 0.00005; ExAC 0.00003.
gnomAD v4.1: 69 of 1,612,556 alleles (0.0043%); highest among the groups gnomAD compares: Non-Finnish European, 0.0056%; no homozygotes.

Submissions (4):

PreventionGenetics, part of Exact Sciences
Classification: Uncertain significance for RNASEH2B-related condition. Last evaluated: 2026-04-15. Review status: criteria provided, single submitter. Criteria: ACMG Guidelines, 2015. Collection method: clinical testing. Allele origin: germline.
Comment: The RNASEH2B c.412C>T variant is predicted to result in the amino acid substitution p.Leu138Phe. This variant has been reported with a causative RNASEH2B missense variant in individuals with Aicardi-Goutières syndrome (AGS); however, phase the variants was not determined (Table S5, Rice et al. 2016. PubMed ID: 27943079). This variant was also reported in the compound heterozygous state in an additional individual with atypical AGS, which included spastic paraparesis and leukoencephalopathy (La Piana et al. 2014. PubMed ID: 25343331). This variant is reported in 0.0053% of alleles in individuals of European (non-Finnish) descent in gnomAD. Although we suspect that this variant may be pathogenic, at this time, the clinical significance of this variant is uncertain due to the absence of conclusive functional and genetic evidence.

Blueprint Genetics
Classification: Uncertain significance. Last evaluated: 2024-11-22. Review status: criteria provided, single submitter. Criteria: ACMG Guidelines, 2015. Collection method: clinical testing. Allele origin: germline.

Labcorp Genetics (formerly Invitae), Labcorp
Classification: Uncertain significance for Aicardi-Goutieres syndrome 2. Last evaluated: 2022-07-26. Review status: criteria provided, single submitter. Criteria: Invitae Variant Classification Sherloc (09022015). Collection method: clinical testing. Allele origin: germline.
Comment: This sequence change replaces leucine, which is neutral and non-polar, with phenylalanine, which is neutral and non-polar, at codon 138 of the RNASEH2B protein (p.Leu138Phe). This variant is present in population databases (rs78705382, gnomAD 0.005%). This missense change has been observed in individuals with Aicardi-Gouti√®res syndrome (AGS) and atypical AGS (PMID: 17846997, 25343331). ClinVar contains an entry for this variant (Variation ID: 372780). Algorithms developed to predict the effect of missense changes on protein structure and function are either unavailable or do not agree on the potential impact of this missense change (SIFT: "Deleterious"; PolyPhen-2: "Possibly Damaging"; Align-GVGD: "Class C0"). In summary, the available evidence is currently insufficient to determine the role of this variant in disease. Therefore, it has been classified as a Variant of Uncertain Significance.

GeneDx
Classification: Likely pathogenic. Last evaluated: 2016-05-16. Review status: criteria provided, single submitter. Criteria: GeneDx Variant Classification (06012015). Collection method: clinical testing. Allele origin: germline. Affected: yes.
Comment: The L138F variant in the RNASEH2B gene has been reported previously in the compound heterozygous state in multiple unrelated individuals with Aicardi-Goutieres syndrome (Rice et al., 2007; La Piana et al., 2014; Rice et al., 2013). The L138F variant was not observed in approximately 6500 individuals of European and African American ancestry in the NHLBI Exome Sequencing Project, indicating it is not a common benign variant in these populations. The L138F variant is a conservative amino acid substitution, which is not likely to impact secondary protein structure as these residues share similar properties. This substitution occurs at a position where amino acids with similar properties to Leucine are tolerated across species. Although in silico analysis is inconsistent in its predictions as to whether or not the variant is damaging to the protein structure/function, RNASEH2B has a low rate of benign missense variation and missense variants are a common mechanism of disease (Stenson et al., 2014; Rice et al., 2007). Therefore, we interpret L138F as a likely pathogenic variant, however the possibility it may be a rare benign variant cannot be excluded.

Literature cited by the submitters: PubMed 17846997 (cited by Labcorp Genetics (formerly Invitae), Labcorp); PubMed 25343331 (cited by Labcorp Genetics (formerly Invitae), Labcorp).

NM_024570.4(RNASEH2B):c.412C>T (p.Leu138Phe)

Gene: RNASEH2B (ribonuclease H2 subunit B; plus strand). Cytogenetic location: 13q14.3.
Variant type: single nucleotide variant.
Coding change: c.412C>T on transcript NM_024570.4 (MANE Select); coding-DNA position 412, C replaced by T.
Protein change: p.Leu138Phe; replaces leucine 138 with phenylalanine.
Molecular consequence: missense variant.
Genome position (GRCh38, 1-based): chr13:50,934,975, C>T. VCF-style: chr13-50934975-C-T. GRCh37 (hg19) VCF-style: chr13-51509111-C-T.
Other names: c.412C>T, p.Leu138Phe (NM_001142279.2); short protein forms L138F.
Identifiers: ClinVar variation 372780 (VCV000372780.11), dbSNP rs78705382, ClinGen allele CA6985560.